The following is an entry in ClinVar:

NM_001754.5(RUNX1):c.351+9C>T

Gene: RUNX1 (RUNX family transcription factor 1; minus strand). Cytogenetic location: 21q22.12.
Variant type: single nucleotide variant.
Coding change: c.351+9C>T on transcript NM_001754.5 (MANE Select); 9 bases into the intron after coding-DNA position 351, C replaced by T.
Molecular consequence: intron variant.
Genome position (GRCh38, 1-based): chr21:34,886,834, G>A on the plus strand (C>T on the coding strand, the complement: RUNX1 is on the minus strand). VCF-style: chr21-34886834-G-A. GRCh37 (hg19) VCF-style: chr21-36259131-G-A.
Other names: c.270+9C>T (NM_001001890.3, NM_001122607.2).
Identifiers: ClinVar variation 2418061 (VCV002418061.8), dbSNP rs2146407491, ClinGen allele CA2580098624.

ClinVar aggregate classification (germline): Likely benign. Review status: reviewed by expert panel (3 of 4 stars). 2 submissions from 2 submitters: Likely benign (1). 1 of the submissions does not count toward it. Last evaluated 2024-11-04.

Conditions:
Hereditary thrombocytopenia and hematological cancer predisposition syndrome associated with RUNX1. Also called: Familial Platelet Disorder with Propensity to Acute Myelogenous Leukemia; Familial thrombocytopenia with propensity to acute myelogenous leukemia; PLATELET DISORDER, ASPIRIN-LIKE; RUNX1 Familial Platelet Disorder with Associated Myeloid Malignancies. Identifiers: Orphanet 71290, MedGen C1832388, MeSH C563324, MONDO:0100083, OMIM 601399.
Hereditary thrombocytopenia and hematologic cancer predisposition syndrome. Identifiers: Orphanet 71290, MedGen CN281654, MONDO:0011071.

Submissions (2):

ClinGen Myeloid Malignancy Variant Curation Expert Panel
Classification: Likely benign for Hereditary thrombocytopenia and hematologic cancer predisposition syndrome. Last evaluated: 2024-11-04. Review status: reviewed by expert panel. Criteria: ClinGen MyeloMalig ACMG Specifications v2. Collection method: curation. Allele origin: germline. Inheritance: Autosomal dominant inheritance.
Comment: NM_001754.5(RUNX1):c.351+9C>T is an intronic variant which has a SpliceAI score ≤ 0.20 (0.0) (BP4). This variant has a SpliceAI score ≤ 0.20 (0.0) and evolutionary conservation prediction algorithms predict the site as not being conserved (PhyloP score ≤ 2.0 (0.53) (BP7). This variant is completely absent from all population databases with at least 20x coverage for RUNX1 (PM2_Supporting). In summary, this variant meets criteria to be classified as likely benign. ACMG/AMP criteria applied, as specified by the Myeloid Malignancy Variant Curation Expert Panel for RUNX1: BP4, BP7, PM2_supporting.

Labcorp Genetics (formerly Invitae), Labcorp
Classification: Likely benign for Hereditary thrombocytopenia and hematological cancer predisposition syndrome associated with RUNX1. Last evaluated: 2021-12-23. Review status: criteria provided, single submitter. Criteria: Invitae Variant Classification Sherloc (09022015). Collection method: clinical testing. Allele origin: germline. Not counted in ClinVar's aggregate classification.